The following is an entry in ClinVar:

ClinVar aggregate classification (germline): Uncertain significance (1 of 4 stars; one submission).

Submission:

Labcorp Genetics (formerly Invitae), Labcorp
Classification: Uncertain significance. Last evaluated: 2025-05-04. Review status: criteria provided, single submitter. Criteria: Invitae Variant Classification Sherloc (09022015). Collection method: clinical testing. Allele origin: germline.
Comment: This sequence change replaces alanine, which is neutral and non-polar, with serine, which is neutral and polar, at codon 180 of the RAX2 protein (p.Ala180Ser). This variant is not present in population databases (gnomAD no frequency). This variant has not been reported in the literature in individuals affected with RAX2-related conditions. An algorithm developed to predict the effect of missense changes on protein structure and function (PolyPhen-2) suggests that this variant is likely to be tolerated. In summary, the available evidence is currently insufficient to determine the role of this variant in disease. Therefore, it has been classified as a Variant of Uncertain Significance.

NM_001319074.4(RAX2):c.538G>T (p.Ala180Ser)

Gene: RAX2 (retina and anterior neural fold homeobox 2; minus strand). Cytogenetic location: 19p13.3.
Variant type: single nucleotide variant.
Coding change: c.538G>T on transcript NM_001319074.4 (MANE Select); coding-DNA position 538, G replaced by T.
Protein change: p.Ala180Ser; replaces alanine 180 with serine.
Molecular consequence: missense variant.
Genome position (GRCh38, 1-based): chr19:3,770,638, C>A on the plus strand (G>T on the coding strand, the complement: RAX2 is on the minus strand). VCF-style: chr19-3770638-C-A. GRCh37 (hg19) VCF-style: chr19-3770636-C-A.
Other names: c.538G>T, p.Ala180Ser (NM_032753.4); short protein forms A180S.
Identifiers: ClinVar variation 4718913 (VCV004718913.1).